The following is an entry in ClinVar:

ClinVar aggregate classification (germline): Likely pathogenic (1 of 4 stars; one submission).

Conditions:
Lambdoidal craniosynostosis. Identifiers: MedGen C1833340, HP:0004443.

Submission:

MVZ Medizinische Genetik Mainz
Classification: Likely pathogenic for Craniosynostosis 4. Last evaluated: 2023-02-10. Review status: criteria provided, single submitter. Criteria: UK Practice Guidelines For Variant Classification V4 01 2020. Collection method: clinical testing. Allele origin: germline. Inheritance: Autosomal dominant inheritance. Affected: yes. Observed: 2 variant alleles.
Comment: ACMG Criteria: PM1_SUP, PM2_SUP, PM5, PP3, PP4

NM_006494.4(ERF):c.158G>C (p.Gly53Ala)

Gene: ERF (ETS2 repressor factor; minus strand). Cytogenetic location: 19q13.2.
Variant type: single nucleotide variant.
Coding change: c.158G>C on transcript NM_006494.4 (MANE Select); coding-DNA position 158, G replaced by C.
Protein change: p.Gly53Ala; replaces glycine 53 with alanine.
Molecular consequence: missense variant. On other transcripts: 5 prime UTR variant (3).
Genome position (GRCh38, 1-based): chr19:42,250,430, C>G on the plus strand (G>C on the coding strand, the complement: ERF is on the minus strand). VCF-style: chr19-42250430-C-G. GRCh37 (hg19) VCF-style: chr19-42754582-C-G.
Other names: c.-68G>C (NM_001301035.2, NM_001308402.2, NM_001312656.2); short protein forms G53A.
Identifiers: ClinVar variation 3066347 (VCV003066347.1), dbSNP rs2513525682, ClinGen allele CA406115247.